The following is an entry in ClinVar:

ClinVar aggregate classification (germline): Likely pathogenic (1 of 4 stars; one submission).

Conditions:
Usher syndrome type 1D (USH1D). Also called: USHER SYNDROME, TYPE ID. Identifiers: Orphanet 231169, Orphanet 886, MedGen C1832845, MONDO:0010984, OMIM 601067.

Submission:

Myriad Genetics, Inc.
Classification: Likely pathogenic for Usher syndrome type 1D. Last evaluated: 2022-03-31. Review status: criteria provided, single submitter. Criteria: Myriad Women's Health Autosomal Recessive and X-Linked Classification Criteria (2021). Collection method: clinical testing. Allele origin: unknown.
Comment: NM_033056.3(PCDH15):c.2518_2519delCA(Q840Nfs*43) is expected to be pathogenic in the context of PCDH15-related disorders. This variant is predicted to lead to an abnormal or absent protein product due to the creation of a premature termination codon in PCDH15, a gene where loss-of-function variants are known to be pathogenic. Please note: this variant was assessed in the context of healthy population screening.

NM_001384140.1(PCDH15):c.2518_2519del (p.Gln840fs)

Gene: PCDH15 (protocadherin related 15; minus strand). Cytogenetic location: 10q21.1.
Variant type: Deletion.
Coding change: c.2518_2519del on transcript NM_001384140.1 (MANE Select); coding-DNA positions 2518 to 2519, 2 bases deleted (CA; older notation c.2518_2519delCA).
Protein change: p.Gln840fs; shifts the reading frame from glutamine 840.
Molecular consequence: frameshift variant.
Genome position (GRCh38, 1-based): chr10:54,022,899-54,022,900, TG deleted on the plus strand (CA on the coding strand, the reverse complement: PCDH15 is on the minus strand). VCF-style (leftmost placement, unchanged base first): chr10-54022898-TTG-T. GRCh37 (hg19) VCF-style: chr10-55782658-TTG-T.
Other names: c.2533_2534del, p.Gln845fs (NM_001142763.2, NM_001142771.2); c.2518_2519del, p.Gln840fs (NM_001142764.2, NM_001142766.2, NM_001142770.3 and 5 more transcripts); c.2305_2306del, p.Gln769fs (NM_001142765.2); c.2407_2408del, p.Gln803fs (NM_001142767.2); c.2452_2453del, p.Gln818fs (NM_001142768.2, NM_001142773.2, NM_001354404.2); c.2554_2555delCA, p.Gln852Asnfs (NM_001142769.4); c.2539_2540del, p.Gln847fs (NM_001354411.2); short protein forms Q769fs, Q803fs, Q818fs, Q840fs, Q845fs, Q847fs, Q852fs.
Identifiers: ClinVar variation 1725693 (VCV001725693.2), dbSNP rs2539201047, ClinGen allele CA2580082408.